The following is an entry in ClinVar:

ClinVar aggregate classification (germline): Likely pathogenic (1 of 4 stars; one submission).

Submission:

GeneDx
Classification: Likely pathogenic. Last evaluated: 2026-07-23. Review status: criteria provided, single submitter. Criteria: GeneDx Variant Classification Process June 2021. Collection method: clinical testing. Allele origin: germline.
Comment: Published functional studies support this variant is associated with impaired OTC activity (PMID: 37146589); Not observed at significant frequency in large population cohorts (gnomAD); In silico analysis suggests that this missense variant does not alter protein structure/function; This variant is associated with the following publications: (PMID: 33309754, 37146589)

NM_000531.6(OTC):c.615G>C (p.Met205Ile)

Gene: OTC (ornithine transcarbamylase; plus strand). Cytogenetic location: Xp11.4.
Variant type: single nucleotide variant.
Coding change: c.615G>C on transcript NM_000531.6 (MANE Select); coding-DNA position 615, G replaced by C.
Protein change: p.Met205Ile; replaces methionine 205 with isoleucine.
Molecular consequence: missense variant.
Genome position (GRCh38, 1-based): chrX:38,403,692, G>C. VCF-style: chrX-38403692-G-C. GRCh37 (hg19) VCF-style: chrX-38262945-G-C.
Other names: p.M205I:ATG>ATC; short protein forms M205I.
Identifiers: ClinVar variation 203866 (VCV000203866.3), dbSNP rs796052012, ClinGen allele CA312797.